The following is an entry in ClinVar:

ClinVar aggregate classification (germline): Uncertain significance (1 of 4 stars; one submission).

Conditions:
Cholestanol storage disease (CTX). Also called: CEREBRAL CHOLESTERINOSIS; Cerebrotendinous Xanthomatosis; CTX: Cerebrotendinous xanthomatosis. Identifiers: Orphanet 909, MedGen C0238052, MONDO:0008948, OMIM 213700.

Submission:

Labcorp Genetics (formerly Invitae), Labcorp
Classification: Uncertain significance for Cholestanol storage disease. Last evaluated: 2022-04-12. Review status: criteria provided, single submitter. Criteria: Invitae Variant Classification Sherloc (09022015). Collection method: clinical testing. Allele origin: germline.
Comment: In summary, the available evidence is currently insufficient to determine the role of this variant in disease. Therefore, it has been classified as a Variant of Uncertain Significance. This variant disrupts a region of the CYP27A1 protein in which other variant(s) (p.Gln525*) have been observed in individuals with CYP27A1-related conditions (PMID: 21404287). This suggests that this is a clinically significant region of the protein, and that variants that disrupt it are likely to be disease-causing. Experimental studies and prediction algorithms are not available or were not evaluated, and the functional significance of this variant is currently unknown. This variant has not been reported in the literature in individuals affected with CYP27A1-related conditions. This variant is not present in population databases (gnomAD no frequency). This sequence change results in a frameshift in the CYP27A1 gene (p.Val522Trpfs*68). While this is not anticipated to result in nonsense mediated decay, it is expected to disrupt the last 10 amino acid(s) of the CYP27A1 protein and extend the protein by 57 additional amino acid residues.

Literature cited by the submitters: PubMed 21404287.

NM_000784.4(CYP27A1):c.1563del (p.Val522fs)

Gene: CYP27A1 (cytochrome P450 family 27 subfamily A member 1; plus strand). Cytogenetic location: 2q35.
Variant type: Deletion.
Coding change: c.1563del on transcript NM_000784.4 (MANE Select); coding-DNA position 1563, one base deleted (A; older notation c.1563delA).
Protein change: p.Val522fs; shifts the reading frame from valine 522.
Molecular consequence: frameshift variant.
Genome position (GRCh38, 1-based): chr2:218,814,997, A deleted; the last of 3 consecutive A bases (chr2:218,814,995-218,814,997); deleting any one gives the same sequence. VCF-style (leftmost placement, unchanged base first): chr2-218814994-GA-G. GRCh37 (hg19) VCF-style: chr2-219679717-GA-G.
Other names: short protein forms V522fs.
Identifiers: ClinVar variation 2125432 (VCV002125432.4), dbSNP rs2470230685, ClinGen allele CA2580065731.